The following is an entry in ClinVar:

NM_002528.7(NTHL1):c.327C>G (p.His109Gln)

Gene: NTHL1 (nth like DNA glycosylase 1; minus strand). Cytogenetic location: 16p13.3.
Variant type: single nucleotide variant.
Coding change: c.327C>G on transcript NM_002528.7 (MANE Select); coding-DNA position 327, C replaced by G.
Protein change: p.His109Gln; replaces histidine 109 with glutamine.
Molecular consequence: missense variant. On other transcripts: intron variant (1).
Genome position (GRCh38, 1-based): chr16:2,046,155, G>C on the plus strand (C>G on the coding strand, the complement: NTHL1 is on the minus strand). VCF-style: chr16-2046155-G-C. GRCh37 (hg19) VCF-style: chr16-2096156-G-C.
Other names: c.327C>G, p.His109Gln (NM_001318193.2); c.24+125C>G (NM_001318194.2); short protein forms H109Q.
Identifiers: ClinVar variation 823878 (VCV000823878.6), dbSNP rs1596222574, ClinGen allele CA394295217.

ClinVar aggregate classification (germline): Uncertain significance. Review status: criteria provided, multiple submitters, no conflicts (2 of 4 stars). 2 submissions from 2 submitters: Uncertain significance (2). Last evaluated 2024-05-05.

Conditions:
Hereditary cancer-predisposing syndrome. Also called: Neoplastic Syndromes, Hereditary; Tumor predisposition; Hereditary neoplastic syndrome; Hereditary Cancer Syndrome. Identifiers: Orphanet 140162, MedGen C0027672, MeSH D009386, MONDO:0015356.

Submissions (2):

Labcorp Genetics (formerly Invitae), Labcorp
Classification: Uncertain significance. Last evaluated: 2024-05-05. Review status: criteria provided, single submitter. Criteria: Invitae Variant Classification Sherloc (09022015). Collection method: clinical testing. Allele origin: germline.
Comment: This sequence change replaces histidine, which is basic and polar, with glutamine, which is neutral and polar, at codon 117 of the NTHL1 protein (p.His117Gln). This variant is not present in population databases (gnomAD no frequency). This variant has not been reported in the literature in individuals affected with NTHL1-related conditions. ClinVar contains an entry for this variant (Variation ID: 823878). Algorithms developed to predict the effect of missense changes on protein structure and function output the following: SIFT: "Not Available"; PolyPhen-2: "Benign"; Align-GVGD: "Not Available". The glutamine amino acid residue is found in multiple mammalian species, which suggests that this missense change does not adversely affect protein function. In summary, the available evidence is currently insufficient to determine the role of this variant in disease. Therefore, it has been classified as a Variant of Uncertain Significance.

Ambry Genetics
Classification: Uncertain significance for Hereditary cancer-predisposing syndrome. Last evaluated: 2018-12-10. Review status: criteria provided, single submitter. Criteria: Ambry Variant Classification Scheme 2023. Collection method: clinical testing. Allele origin: germline.
Comment: The p.H117Q variant (also known as c.351C>G), located in coding exon 2 of the NTHL1 gene, results from a C to G substitution at nucleotide position 351. The histidine at codon 117 is replaced by glutamine, an amino acid with highly similar properties. This amino acid position is not well conserved in available vertebrate species. In addition, this alteration is predicted to be tolerated by in silico analysis. Since supporting evidence is limited at this time, the clinical significance of this alteration remains unclear.